The following is an entry in ClinVar:

ClinVar aggregate classification (germline): Uncertain significance (1 of 4 stars; one submission).

Conditions:
Vici syndrome (VICIS). Identifiers: Orphanet 1493, MedGen C1855772, MONDO:0009452, OMIM 242840.

Allele frequency attached by ClinVar (database versions not stated): gnomAD exomes below 0.00001 and 0.00001; TOPMed below 0.00001; ExAC 0.00001; gnomAD 0.00001.
gnomAD v4.1: 7 of 1,614,116 alleles (0.00043%); highest among the groups gnomAD compares: Non-Finnish European, 0.00059%; no homozygotes.

Submission:

Labcorp Genetics (formerly Invitae), Labcorp
Classification: Uncertain significance for Vici syndrome. Last evaluated: 2022-11-01. Review status: criteria provided, single submitter. Criteria: Invitae Variant Classification Sherloc (09022015). Collection method: clinical testing. Allele origin: germline.
Comment: This sequence change replaces isoleucine, which is neutral and non-polar, with serine, which is neutral and polar, at codon 647 of the EPG5 protein (p.Ile647Ser). This variant is present in population databases (rs770599313, gnomAD 0.002%). This variant has not been reported in the literature in individuals affected with EPG5-related conditions. ClinVar contains an entry for this variant (Variation ID: 662190). Advanced modeling of protein sequence and biophysical properties (such as structural, functional, and spatial information, amino acid conservation, physicochemical variation, residue mobility, and thermodynamic stability) performed at Invitae indicates that this missense variant is expected to disrupt EPG5 protein function. In summary, the available evidence is currently insufficient to determine the role of this variant in disease. Therefore, it has been classified as a Variant of Uncertain Significance.

NM_020964.3(EPG5):c.1940T>G (p.Ile647Ser)

Gene: EPG5 (ectopic P-granules 5 autophagy tethering factor; minus strand). Cytogenetic location: 18q21.1.
Variant type: single nucleotide variant.
Coding change: c.1940T>G on transcript NM_020964.3 (MANE Select); coding-DNA position 1940, T replaced by G.
Protein change: p.Ile647Ser; replaces isoleucine 647 with serine.
Molecular consequence: missense variant.
Genome position (GRCh38, 1-based): chr18:45,943,164, A>C on the plus strand (T>G on the coding strand, the complement: EPG5 is on the minus strand). VCF-style: chr18-45943164-A-C. GRCh37 (hg19) VCF-style: chr18-43523130-A-C.
Other names: c.1940T>G, p.Ile647Ser (LRG_1234t1); short protein forms I647S.
Identifiers: ClinVar variation 662190 (VCV000662190.7), dbSNP rs770599313, ClinGen allele CA8949570.